The following is an entry in ClinVar:

ClinVar aggregate classification (germline): Uncertain significance (1 of 4 stars; one submission).

Submission:

Labcorp Genetics (formerly Invitae), Labcorp
Classification: Uncertain significance. Last evaluated: 2022-10-18. Review status: criteria provided, single submitter. Criteria: Invitae Variant Classification Sherloc (09022015). Collection method: clinical testing. Allele origin: germline.
Comment: In summary, the available evidence is currently insufficient to determine the role of this variant in disease. Therefore, it has been classified as a Variant of Uncertain Significance. Algorithms developed to predict the effect of missense changes on protein structure and function (SIFT, PolyPhen-2, Align-GVGD) all suggest that this variant is likely to be tolerated. ClinVar contains an entry for this variant (Variation ID: 1443680). This variant has not been reported in the literature in individuals affected with MCM3AP-related conditions. This variant is not present in population databases (gnomAD no frequency). This sequence change replaces proline, which is neutral and non-polar, with alanine, which is neutral and non-polar, at codon 1814 of the MCM3AP protein (p.Pro1814Ala).

NM_003906.5(MCM3AP):c.5440C>G (p.Pro1814Ala)

Genes: MCM3AP (minichromosome maintenance complex component 3 associated protein; minus strand), MCM3AP-AS1 (MCM3AP antisense RNA 1; plus strand). Cytogenetic location: 21q22.3.
Variant type: single nucleotide variant.
Coding change: c.5440C>G on transcript NM_003906.5 (MANE Select); coding-DNA position 5440, C replaced by G.
Protein change: p.Pro1814Ala; replaces proline 1814 with alanine.
Molecular consequence: missense variant. On other transcripts: non-coding transcript variant (4).
Genome position (GRCh38, 1-based): chr21:46,241,004, G>C on the plus strand (C>G on the coding strand, the complement: MCM3AP is on the minus strand). VCF-style: chr21-46241004-G-C. GRCh37 (hg19) VCF-style: chr21-47660918-G-C.
Other names: short protein forms P1814A.
Identifiers: ClinVar variation 1443680 (VCV001443680.6), dbSNP rs2123811879, ClinGen allele CA410537368.